The following is an entry in ClinVar:

NM_001927.4(DES):c.1312T>G (p.Ser438Ala)

Gene: DES (desmin; plus strand). Cytogenetic location: 2q35.
Variant type: single nucleotide variant.
Coding change: c.1312T>G on transcript NM_001927.4 (MANE Select); coding-DNA position 1312, T replaced by G.
Protein change: p.Ser438Ala; replaces serine 438 with alanine.
Molecular consequence: missense variant.
Genome position (GRCh38, 1-based): chr2:219,425,686, T>G. VCF-style: chr2-219425686-T-G. GRCh37 (hg19) VCF-style: chr2-220290408-T-G.
Other names: c.1312T>G (LRG_380t1); short protein forms S438A.
Identifiers: ClinVar variation 474286 (VCV000474286.9), dbSNP rs1553603818, ClinGen allele CA350698434.
Genomic context (GRCh38, chr2:219,425,686, plus strand): 5'-CTTGGTCAGGCTGAGTGTGCGATGGACCCTGTTACAGAAACCAGCCCTGAGCAAAGGGGT[T>G]CTGAGGTCCATACCAAGAAGACGGTGATGATCAAGACCATCGAGACACGGGATGGGGAGG-3'
Protein context (NP_001918.3, residues 428-448): FRETSPEQRG[Ser438Ala]EVHTKKTVMI

ClinVar aggregate classification (germline): Uncertain significance (1 of 4 stars; one submission).

Conditions:
Desmin-related myofibrillar myopathy (MFM1). Also called: Desminopathy; Desmin related myopathy (former name); Desmin storage myopathy (former name); Myofibrillar myopathy 1; MYOFIBRILLAR MYOPATHY WITH ARRHYTHMOGENIC RIGHT VENTRICULAR CARDIOMYOPATHY; DESMIN-RELATED MYOPATHY WITH ARRHYTHMOGENIC RIGHT VENTRICULAR CARDIOMYOPATHY. Identifiers: Orphanet 363543, Orphanet 98909, MedGen C1832370, MONDO:0011076, OMIM 601419.

Submission:

Labcorp Genetics (formerly Invitae), Labcorp
Classification: Uncertain significance for Desmin-related myofibrillar myopathy. Last evaluated: 2021-06-14. Review status: criteria provided, single submitter. Criteria: Invitae Variant Classification Sherloc (09022015). Collection method: clinical testing. Allele origin: germline.
Comment: This sequence change replaces serine with alanine at codon 438 of the DES protein (p.Ser438Ala). The serine residue is moderately conserved and there is a moderate physicochemical difference between serine and alanine. This variant is not present in population databases (ExAC no frequency) and has not been reported in the literature in individuals with a DES-related disease. Algorithms developed to predict the effect of missense changes on protein structure and function (SIFT, PolyPhen-2, Align-GVGD) all suggest that this variant is likely to be tolerated, but these predictions have not been confirmed by published functional studies. In summary, this variant is a novel missense change that is not predicted to affect protein function. There is no indication that it causes disease, but the available evidence is currently insufficient to prove that conclusively. Therefore, it has been classified as a Variant of Uncertain Significance.